The following is an entry in ClinVar:

ClinVar aggregate classification (germline): Likely pathogenic (1 of 4 stars; one submission).

Submission:

GeneDx
Classification: Likely pathogenic. Last evaluated: 2017-10-31. Review status: criteria provided, single submitter. Criteria: GeneDx Variant Classification (06012015). Collection method: clinical testing. Allele origin: germline. Affected: yes.
Comment: The G438D variant in the NOTCH2 gene has not been reported previously as a pathogenic variant, nor as a benign variant, to our knowledge. The G438D variant is not observed in large population cohorts (Lek et al., 2016). The G438D variant is a non-conservative amino acid substitution, which is likely to impact secondary protein structure as these residues differ in polarity, charge, size and/or other properties. This substitution occurs at a position that is conserved across species. In silico analysis predicts this variant is probably damaging to the protein structure/function. We interpret G438D as a likely pathogenic variant.

NM_024408.4(NOTCH2):c.1313G>A (p.Gly438Asp)

Gene: NOTCH2 (notch receptor 2; minus strand). Cytogenetic location: 1p12.
Variant type: single nucleotide variant.
Coding change: c.1313G>A on transcript NM_024408.4 (MANE Select); coding-DNA position 1313, G replaced by A.
Protein change: p.Gly438Asp; replaces glycine 438 with aspartic acid.
Molecular consequence: missense variant.
Genome position (GRCh38, 1-based): chr1:119,967,573, C>T on the plus strand (G>A on the coding strand, the complement: NOTCH2 is on the minus strand). VCF-style: chr1-119967573-C-T. GRCh37 (hg19) VCF-style: chr1-120510196-C-T.
Other names: c.1313G>A, p.Gly438Asp (NM_001200001.2); short protein forms G438D.
Identifiers: ClinVar variation 453174 (VCV000453174.2), dbSNP rs781957465, ClinGen allele CA341878345.